The following is an entry in ClinVar:

NM_153240.5(NPHP3):c.2986G>A (p.Val996Met)

Genes: NPHP3 (nephrocystin 3; minus strand), NPHP3-ACAD11 (NPHP3-ACAD11 readthrough (NMD candidate); minus strand). Cytogenetic location: 3q22.1.
Variant type: single nucleotide variant.
Coding change: c.2986G>A on transcript NM_153240.5 (MANE Select); coding-DNA position 2986, G replaced by A.
Protein change: p.Val996Met; replaces valine 996 with methionine.
Molecular consequence: missense variant. On other transcripts: non-coding transcript variant (1).
Genome position (GRCh38, 1-based): chr3:132,688,789, C>T on the plus strand (G>A on the coding strand, the complement: NPHP3 is on the minus strand). VCF-style: chr3-132688789-C-T. GRCh37 (hg19) VCF-style: chr3-132407633-C-T.
Other names: short protein forms V996M.
Identifiers: ClinVar variation 531625 (VCV000531625.19), dbSNP rs150867534, ClinGen allele CA2621868.

ClinVar aggregate classification (germline): Conflicting classifications of pathogenicity. Review status: criteria provided, conflicting classifications (1 of 4 stars). 10 submissions from 8 submitters: Uncertain significance (9); Likely benign (1). Last evaluated 2026-02-19.

Conditions:
NPHP3-related disorder. Also called: NPHP3-related condition; NPHP3-related disorders. Identifiers: MedGen CN379163.
Nephronophthisis. Also called: Juvenile Nephronophthisis. Identifiers: Orphanet 655, MedGen C0687120, MONDO:0019005, HP:0000090.
NPHP3-related Meckel-like syndrome. Also called: GOLDSTON SYNDROME; Meckel syndrome type 7. Identifiers: Orphanet 3032, MedGen C2673885, MONDO:0009966, OMIM 267010.
Renal-hepatic-pancreatic dysplasia 1 (RHPD1). Identifiers: MedGen C3715199, MONDO:0008833, OMIM 208540.
Nephronophthisis 3 (NPHP3). Also called: Adolescent nephronophthisis. Identifiers: Orphanet 655, MedGen C1858392, MONDO:0011456, OMIM 604387.
Inborn genetic diseases. Identifiers: MedGen C0950123, MeSH D030342.

Allele frequency attached by ClinVar (database versions not stated): gnomAD 0.00007 and 0.00009; TOPMed 0.00007; 1000 Genomes Project 0.00020; 1000 Genomes Project 30x 0.00031.

Submissions (10):

PreventionGenetics, part of Exact Sciences
Classification: Uncertain significance for NPHP3-related condition. Last evaluated: 2026-02-19. Review status: criteria provided, single submitter. Criteria: ACMG Guidelines, 2015. Collection method: clinical testing. Allele origin: germline.
Comment: The NPHP3 c.2986G>A variant is predicted to result in the amino acid substitution p.Val996Met. This variant has been reported in two individuals with polycystic kidney disease (see Patients 13 and 42 in Table 3 of Suzuki et al. 2023. PubMed ID: 36833371). Of note, zygosity was not provided, and both patients were found to have another variant in the IFT140 and SLC41A1 genes, respectively. This variant is reported in 0.060% of alleles in individuals of East Asian descent in gnomAD. At this time, the clinical significance of this variant is uncertain due to the absence of conclusive functional and genetic evidence.

Blueprint Genetics
Classification: Likely benign. Last evaluated: 2024-11-11. Review status: criteria provided, single submitter. Criteria: ACMG Guidelines, 2015. Collection method: clinical testing. Allele origin: germline.

Labcorp Genetics (formerly Invitae), Labcorp
Classification: Uncertain significance for Nephronophthisis. Last evaluated: 2024-10-25. Review status: criteria provided, single submitter. Criteria: Invitae Variant Classification Sherloc (09022015). Collection method: clinical testing. Allele origin: germline.
Comment: This sequence change replaces valine, which is neutral and non-polar, with methionine, which is neutral and non-polar, at codon 996 of the NPHP3 protein (p.Val996Met). This variant is present in population databases (rs150867534, gnomAD 0.07%). This variant has not been reported in the literature in individuals affected with NPHP3-related conditions. ClinVar contains an entry for this variant (Variation ID: 531625). Invitae Evidence Modeling of protein sequence and biophysical properties (such as structural, functional, and spatial information, amino acid conservation, physicochemical variation, residue mobility, and thermodynamic stability) has been performed for this missense variant. However, the output from this modeling did not meet the statistical confidence thresholds required to predict the impact of this variant on NPHP3 protein function. In summary, the available evidence is currently insufficient to determine the role of this variant in disease. Therefore, it has been classified as a Variant of Uncertain Significance.

Ambry Genetics
Classification: Uncertain significance for Inborn genetic diseases. Last evaluated: 2023-02-14. Review status: criteria provided, single submitter. Criteria: Ambry Variant Classification Scheme 2023. Collection method: clinical testing. Allele origin: germline.

Fulgent Genetics
Classification: Uncertain significance for Renal-hepatic-pancreatic dysplasia 1; NPHP3-related Meckel-like syndrome; Nephronophthisis 3. Last evaluated: 2022-01-13. Review status: criteria provided, single submitter. Criteria: ACMG Guidelines, 2015. Collection method: clinical testing. Allele origin: unknown.

Revvity Omics, Revvity
Classification: Uncertain significance. Last evaluated: 2019-08-22. Review status: criteria provided, single submitter. Criteria: ACMG Guidelines, 2015. Collection method: clinical testing. Allele origin: germline.

Eurofins Ntd Llc (ga)
Classification: Uncertain significance. Last evaluated: 2018-05-21. Review status: criteria provided, single submitter. Criteria: EGL ClinVar v180209 classification definitions. Collection method: clinical testing. Allele origin: germline. Observed: 1 variant allele, 1 heterozygote.

Illumina Laboratory Services, Illumina
Classification: Uncertain significance for Renal-hepatic-pancreatic dysplasia 1. Last evaluated: 2018-01-12. Review status: criteria provided, single submitter. Criteria: ICSL Variant Classification Criteria 13 December 2019. Collection method: clinical testing. Allele origin: germline.

Illumina Laboratory Services, Illumina
Classification: Uncertain significance for NPHP3-related Meckel-like syndrome. Last evaluated: 2018-01-12. Review status: criteria provided, single submitter. Criteria: ICSL Variant Classification Criteria 13 December 2019. Collection method: clinical testing. Allele origin: germline.

Illumina Laboratory Services, Illumina
Classification: Uncertain significance for Nephronophthisis 3. Last evaluated: 2018-01-12. Review status: criteria provided, single submitter. Criteria: ICSL Variant Classification Criteria 13 December 2019. Collection method: clinical testing. Allele origin: germline.